The following is an entry in ClinVar:

ClinVar aggregate classification (germline): Uncertain significance (1 of 4 stars; one submission).

Allele frequency attached by ClinVar (database versions not stated): gnomAD exomes below 0.00001.
gnomAD v4.1: 1 of 1,612,286 alleles (0.000062%); highest among the groups gnomAD compares: Non-Finnish European, 0.000085%; no homozygotes.

Submission:

Labcorp Genetics (formerly Invitae), Labcorp
Classification: Uncertain significance. Last evaluated: 2024-05-08. Review status: criteria provided, single submitter. Criteria: Invitae Variant Classification Sherloc (09022015). Collection method: clinical testing. Allele origin: germline.
Comment: This sequence change replaces alanine, which is neutral and non-polar, with valine, which is neutral and non-polar, at codon 756 of the JAK2 protein (p.Ala756Val). This variant is not present in population databases (gnomAD no frequency). This variant has not been reported in the literature in individuals affected with JAK2-related conditions. Advanced modeling of protein sequence and biophysical properties (such as structural, functional, and spatial information, amino acid conservation, physicochemical variation, residue mobility, and thermodynamic stability) performed at Invitae indicates that this missense variant is not expected to disrupt JAK2 protein function with a negative predictive value of 80%. In summary, the available evidence is currently insufficient to determine the role of this variant in disease. Therefore, it has been classified as a Variant of Uncertain Significance.

NM_004972.4(JAK2):c.2267C>T (p.Ala756Val)

Genes: INSL6 (insulin like 6; minus strand), JAK2 (Janus kinase 2; plus strand). Cytogenetic location: 9p24.1.
Variant type: single nucleotide variant.
Coding change: c.2267C>T on transcript NM_004972.4 (MANE Select); coding-DNA position 2267, C replaced by T.
Protein change: p.Ala756Val; replaces alanine 756 with valine.
Molecular consequence: missense variant. On other transcripts: non-coding transcript variant (2).
Genome position (GRCh38, 1-based): chr9:5,080,364, C>T. VCF-style: chr9-5080364-C-T. GRCh37 (hg19) VCF-style: chr9-5080364-C-T.
Other names: c.2267C>T, p.Ala756Val (NM_001322194.2, NM_001322195.2, NM_001322196.2); c.1052C>T, p.Ala351Val (NM_001322198.2, NM_001322199.2); c.1820C>T, p.Ala607Val (NM_001322204.2); short protein forms A607V, A756V, A351V.
Identifiers: ClinVar variation 2976235 (VCV002976235.3), dbSNP rs1819602213, ClinGen allele CA372828013.